The following is an entry in ClinVar:

ClinVar aggregate classification (germline): Benign. Review status: criteria provided, single submitter (1 of 4 stars). 3 submissions from 3 submitters: Benign (1). 2 of the submissions do not count toward it. Last evaluated 2026-01-26.

Conditions:
Microcephaly. Also called: Microcephaly (disease). Identifiers: MedGen C4551563, MONDO:0001149, HP:0000252.
IFT74-related disorder. Also called: IFT74-related condition; IFT74-Related Disorders.

Submissions (3):

Labcorp Genetics (formerly Invitae), Labcorp
Classification: Benign. Last evaluated: 2026-01-26. Review status: criteria provided, single submitter. Criteria: Invitae Variant Classification Sherloc (09022015). Collection method: clinical testing. Allele origin: germline.

PreventionGenetics, part of Exact Sciences
Classification: Likely benign for IFT74-related condition. Last evaluated: 2023-11-17. Review status: no assertion criteria provided. Collection method: clinical testing. Allele origin: germline. Not counted in ClinVar's aggregate classification.
Comment: This variant is classified as likely benign based on ACMG/AMP sequence variant interpretation guidelines (Richards et al. 2015 PMID: 25741868, with internal and published modifications).

Department of Pediatrics, Samsung Medical Center, Samsung Medical Center
Classification: Uncertain significance for Microcephaly. Review status: no assertion criteria provided. Criteria: ACMG Guidelines, 2015. Collection method: research. Allele origin: germline. Affected: yes. Not counted in ClinVar's aggregate classification.

NM_025103.4(IFT74):c.1525_1527del (p.Ser509del)

Gene: IFT74 (intraflagellar transport 74; plus strand). Cytogenetic location: 9p21.2.
Variant type: Deletion.
Coding change: c.1525_1527del on transcript NM_025103.4 (MANE Select); coding-DNA positions 1525 to 1527, 3 bases deleted (TCA; older notation c.1525_1527delTCA).
Protein change: p.Ser509del; deletes serine 509.
Molecular consequence: inframe deletion.
Genome position (GRCh38, 1-based): chr9:27,056,361-27,056,363, TCA deleted; deleting any 3 consecutive bases within chr9:27,056,360-27,056,363 gives the same sequence; the c. name uses the placement nearest the transcript's 3' end. VCF-style (leftmost placement, unchanged base first): chr9-27056359-TATC-T. GRCh37 (hg19) VCF-style: chr9-27056357-TATC-T.
Other names: c.1525_1527del, p.Ser509del (NM_001099222.3, NM_001099223.3, NM_001349928.2); c.1525_1527delTCA (NM_025103.2); short protein forms S509del.
Identifiers: ClinVar variation 813564 (VCV000813564.10), dbSNP rs372620127, ClinGen allele CA5015694.
Genomic context (GRCh38, chr9:27,056,359, plus strand): 5'-TCTATAACCTGTCACTTCTATTTGGATCTTTCTAGAAATTACATCAGGAGAGAATGATAT[TATC>T]AACCCACAGAAATGCCTTTAAGAAAATAATGGAGAAGCAAAACATAGAGTATGAGGCACT-3'